The following is an entry in ClinVar:

NM_001161403.3(LIMS2):c.61C>A (p.Arg21Ser)

Gene: LIMS2 (LIM zinc finger domain containing 2; minus strand). Cytogenetic location: 2q14.3.
Variant type: single nucleotide variant.
Coding change: c.61C>A on transcript NM_001161403.3 (MANE Select); coding-DNA position 61, C replaced by A.
Protein change: p.Arg21Ser; replaces arginine 21 with serine.
Molecular consequence: missense variant.
Genome position (GRCh38, 1-based): chr2:127,657,513, G>T on the plus strand (C>A on the coding strand, the complement: LIMS2 is on the minus strand). VCF-style: chr2-127657513-G-T. GRCh37 (hg19) VCF-style: chr2-128415087-G-T.
Other names: c.127C>A, p.Arg43Ser (NM_001136037.4); c.46C>A, p.Arg16Ser (NM_001161404.2); c.133C>A, p.Arg45Ser (NM_017980.5); short protein forms R16S, R21S, R43S, R45S.
Identifiers: ClinVar variation 1716366 (VCV001716366.6), dbSNP rs745803442, ClinGen allele CA348413447.

ClinVar aggregate classification (germline): Uncertain significance (1 of 4 stars; one submission).

Conditions:
Autosomal recessive limb-girdle muscular dystrophy type 2W (MDRCMTT). Also called: Muscular dystrophy, autosomal recessive, with cardiomyopathy and triangular tongue; Muscular dystrophy, limb-girdle, type 2W. Identifiers: MedGen C4225192, MONDO:0014788, OMIM 616827.

Submission:

Labcorp Genetics (formerly Invitae), Labcorp
Classification: Uncertain significance for Autosomal recessive limb-girdle muscular dystrophy type 2W. Last evaluated: 2022-08-26. Review status: criteria provided, single submitter. Criteria: Invitae Variant Classification Sherloc (09022015). Collection method: clinical testing. Allele origin: germline.
Comment: This sequence change replaces arginine, which is basic and polar, with serine, which is neutral and polar, at codon 43 of the LIMS2 protein (p.Arg43Ser). This variant is not present in population databases (gnomAD no frequency). This variant has not been reported in the literature in individuals affected with LIMS2-related conditions. Algorithms developed to predict the effect of missense changes on protein structure and function are either unavailable or do not agree on the potential impact of this missense change (SIFT: "Tolerated"; PolyPhen-2: "Possibly Damaging"; Align-GVGD: "Class C0"). In summary, the available evidence is currently insufficient to determine the role of this variant in disease. Therefore, it has been classified as a Variant of Uncertain Significance.